The following is an entry in ClinVar:

ClinVar aggregate classification (germline): Likely pathogenic. Review status: criteria provided, single submitter (1 of 4 stars). 2 submissions from 2 submitters: Likely pathogenic (1). 1 of the submissions does not count toward it. Last evaluated 2025-11-04.

Submissions (2):

Quest Diagnostics Nichols Institute San Juan Capistrano
Classification: Likely pathogenic. Last evaluated: 2025-11-04. Review status: criteria provided, single submitter. Criteria: Quest Diagnostics criteria. Collection method: clinical testing. Allele origin: unknown.
Comment: The VWF c.7559A>C (p.Gln2520Pro) variant has been reported in the heterozygous state in individuals with type 1 and type 2A von Willebrand disease (PMID: 36754679 (2023), 31035301 (2019), 22102194 (2011), 19566550 (2009), 16985174 (2007)). Experimental studies indicate this variant has little effect on VWF multimer formation and platelet binding, but causes decreased VWF secretion and accelerated VWF clearance from plasma (PMID: 36754679 (2023), 31035301 (2019), 19566550 (2009)). This variant has not been reported in large, multi-ethnic general populations (Genome Aggregation Database). Analysis of this variant using bioinformatics tools for the prediction of the effect of amino acid changes on protein structure and function yielded conflicting predictions that this variant is deleterious or benign. Based on the available information, this variant is classified as likely pathogenic.

Academic Unit of Haematology, University of Sheffield
No classification provided. Review status: no classification provided. Collection method: not provided. Allele origin: not provided. Not counted in ClinVar's aggregate classification.

Literature cited by the submitters: PubMed 36754679 (cited by Quest Diagnostics Nichols Institute San Juan Capistrano); PubMed 31035301 (cited by Quest Diagnostics Nichols Institute San Juan Capistrano); PubMed 22102194 (cited by Quest Diagnostics Nichols Institute San Juan Capistrano); PubMed 19566550 (cited by Quest Diagnostics Nichols Institute San Juan Capistrano); PubMed 18315556 (cited by Quest Diagnostics Nichols Institute San Juan Capistrano); PubMed 16985174 (cited by Quest Diagnostics Nichols Institute San Juan Capistrano).

NM_000552.5(VWF):c.7559A>C (p.Gln2520Pro)

Gene: VWF (von Willebrand factor; minus strand). Cytogenetic location: 12p13.31.
Variant type: single nucleotide variant.
Coding change: c.7559A>C on transcript NM_000552.5 (MANE Select); coding-DNA position 7559, A replaced by C.
Protein change: p.Gln2520Pro; replaces glutamine 2520 with proline.
Molecular consequence: missense variant.
Genome position (GRCh38, 1-based): chr12:5,969,381, T>G on the plus strand (A>C on the coding strand, the complement: VWF is on the minus strand). VCF-style: chr12-5969381-T-G. GRCh37 (hg19) VCF-style: chr12-6078547-T-G.
Other names: c.7559A>C (NM_000552.4); short protein forms Q2520P.
Identifiers: ClinVar variation 100477 (VCV000100477.2), dbSNP rs61751294, ClinGen allele CA228804.